The following is an entry in ClinVar:

ClinVar aggregate classification (germline): Benign (1 of 4 stars; one submission).

gnomAD v4.1: 57,195 of 677,032 alleles (8.4%); highest among the groups gnomAD compares: Non-Finnish European, 9.6%; 2,514 homozygotes.

Submission:

CeGaT Center for Human Genetics Tuebingen
Classification: Benign. Last evaluated: 2025-08-01. Review status: criteria provided, single submitter. Criteria: CeGaT Center For Human Genetics Tuebingen Variant Classification Criteria Version 2. Collection method: clinical testing. Allele origin: germline. Affected: yes. Observed: 1 variant allele.
Comment: RAD51B: BS1, BS2

NM_133509.5(RAD51B):c.1037-54286G>A

Gene: RAD51B (RAD51 paralog B; plus strand). Cytogenetic location: 14q24.1.
Variant type: single nucleotide variant.
Coding change: c.1037-54286G>A on transcript NM_133509.5; 54286 bases into the intron before coding-DNA position 1037, G replaced by A.
Molecular consequence: intron variant. On other transcripts: splice acceptor variant (2).
Genome position (GRCh38, 1-based): chr14:68,540,199, G>A. VCF-style: chr14-68540199-G-A. GRCh37 (hg19) VCF-style: chr14-69006916-G-A.
Other names: c.1036+71949G>A (NM_001321818.2); c.1037-62464G>A (NM_001321809.2, NM_001321810.2); c.1037-70807G>A (NM_001321821.2); c.1037-1G>A (NM_001321814.2, NM_001321812.1); c.923-70959G>A (NM_001321815.1).
Identifiers: ClinVar variation 4084388 (VCV004084388.8).
Genomic context (GRCh38, chr14:68,540,199, plus strand): 5'-AGGACATGAGGGAATCCTACCCTGCTCCTTTTTTTTTTTTTTTTTTTTTTTTTAAATACA[G>A]GATCTAGAGAATTCAAATGATCTGCTCGAGGCAAACATAGGATCGTCTGAGTTCCTTGCA-3'